The following is an entry in ClinVar:

ClinVar aggregate classification (germline): Uncertain significance (1 of 4 stars; one submission).

Submission:

Labcorp Genetics (formerly Invitae), Labcorp
Classification: Uncertain significance. Last evaluated: 2021-12-30. Review status: criteria provided, single submitter. Criteria: Invitae Variant Classification Sherloc (09022015). Collection method: clinical testing. Allele origin: germline.
Comment: This variant is not present in population databases (gnomAD no frequency). This sequence change falls in intron 34 of the MYO5B gene. It does not directly change the encoded amino acid sequence of the MYO5B protein. It affects a nucleotide within the consensus splice site. This variant has not been reported in the literature in individuals affected with MYO5B-related conditions. In summary, the available evidence is currently insufficient to determine the role of this variant in disease. Therefore, it has been classified as a Variant of Uncertain Significance. Variants that disrupt the consensus splice site are a relatively common cause of aberrant splicing (PMID: 17576681, 9536098). Algorithms developed to predict the effect of sequence changes on RNA splicing suggest that this variant may disrupt the consensus splice site.

Literature cited by the submitters: PubMed 17576681; PubMed 9536098.

NM_001080467.3(MYO5B):c.4611+5G>A

Genes: MYO5B (myosin VB; minus strand), SNHG22 (small nucleolar RNA host gene 22; plus strand). Cytogenetic location: 18q21.1.
Variant type: single nucleotide variant.
Coding change: c.4611+5G>A on transcript NM_001080467.3 (MANE Select); 5 bases into the intron after coding-DNA position 4611, G replaced by A.
Molecular consequence: intron variant.
Genome position (GRCh38, 1-based): chr18:49,843,236, C>T on the plus strand (G>A on the coding strand, the complement: MYO5B is on the minus strand). VCF-style: chr18-49843236-C-T. GRCh37 (hg19) VCF-style: chr18-47369606-C-T.
Identifiers: ClinVar variation 2066543 (VCV002066543.4), dbSNP rs2511238268, ClinGen allele CA2580095808.